The following is an entry in ClinVar:

ClinVar aggregate classification (germline): Conflicting classifications of pathogenicity. Review status: criteria provided, conflicting classifications (1 of 4 stars). 7 submissions from 7 submitters: Uncertain significance (3); Benign (1); Likely benign (2). 1 of the submissions does not count toward it. Last evaluated 2026-07-01.

Conditions:
SLC3A1-related disorder. Also called: SLC3A1-related condition.
Cystinuria (CSNU). Also called: CYSTINURIA, TYPE I; CYSTINURIA, TYPE II; CYSTINURIA, TYPE III; Cystinuria, non-type I. Identifiers: Orphanet 214, MedGen C0010691, MONDO:0009067, OMIM 220100, HP:0003131.

Allele frequency attached by ClinVar (database versions not stated): 1000 Genomes Project 0.00140; 1000 Genomes Project 30x 0.00172; gnomAD 0.00273; TOPMed 0.00289; ExAC 0.00293; ESP Exome Variant Server 0.00323; gnomAD exomes 0.00343.
gnomAD v4.1: 5,314 of 1,614,084 alleles (0.33%); highest among the groups gnomAD compares: Middle Eastern, 0.54%; 13 homozygotes.

Submissions (7):

CeGaT Center for Human Genetics Tuebingen
Classification: Likely benign. Last evaluated: 2026-07-01. Review status: criteria provided, single submitter. Criteria: CeGaT Center For Human Genetics Tuebingen Variant Classification Criteria Version 2. Collection method: clinical testing. Allele origin: germline. Affected: yes. Observed: 3 variant alleles.
Comment: SLC3A1: BS2

Labcorp Genetics (formerly Invitae), Labcorp
Classification: Benign for Cystinuria. Last evaluated: 2026-01-09. Review status: criteria provided, single submitter. Criteria: Invitae Variant Classification Sherloc (09022015). Collection method: clinical testing. Allele origin: germline.

Rare Kidney Stone Consortium and the Mayo Clinic Hyperoxaluria Center, Mayo Clinic
Classification: Uncertain significance for Cystinuria. Last evaluated: 2025-10-03. Review status: criteria provided, single submitter. Criteria: ACMG Guidelines, 2015. Collection method: research. Allele origin: germline. Observed: 1 variant allele.
Comment: ACMG:PM1, PP3, BS1

Mayo Clinic Laboratories, Mayo Clinic
Classification: Uncertain significance. Last evaluated: 2024-12-14. Review status: criteria provided, single submitter. Criteria: ACMG Guidelines, 2015. Collection method: clinical testing. Allele origin: germline. Observed: 2 variant alleles.
Comment: BS1, PP2, PP3

Blueprint Genetics
Classification: Likely benign. Last evaluated: 2024-11-22. Review status: criteria provided, single submitter. Criteria: ACMG Guidelines, 2015. Collection method: clinical testing. Allele origin: germline.

Illumina Laboratory Services, Illumina
Classification: Uncertain significance for Cystinuria. Last evaluated: 2017-04-27. Review status: criteria provided, single submitter. Criteria: ICSL Variant Classification Criteria 13 December 2019. Collection method: clinical testing. Allele origin: germline.
Comment: This variant was observed as part of a predisposition screen in an ostensibly healthy population. A literature search was performed for the gene, cDNA change, and amino acid change (where applicable). Publications were found based on this search. However, the evidence from the literature, in combination with allele frequency data from public databases where available, was not sufficient to rule this variant in or out of causing disease. Therefore, this variant is classified as a variant of unknown significance.

PreventionGenetics, part of Exact Sciences
Classification: Likely benign for SLC3A1-related condition. Last evaluated: 2021-03-10. Review status: no assertion criteria provided. Collection method: clinical testing. Allele origin: germline. Not counted in ClinVar's aggregate classification.
Comment: This variant is classified as likely benign based on ACMG/AMP sequence variant interpretation guidelines (Richards et al. 2015 PMID: 25741868, with internal and published modifications).

Literature cited by the submitters: PubMed 16225397 (cited by 3 submitters); PubMed 21228398 (cited by Rare Kidney Stone Consortium and the Mayo Clinic Hyperoxaluria Center, Mayo Clinic and Mayo Clinic Laboratories, Mayo Clinic); PubMed 21255007 (cited by Rare Kidney Stone Consortium and the Mayo Clinic Hyperoxaluria Center, Mayo Clinic); PubMed 26990548 (cited by Rare Kidney Stone Consortium and the Mayo Clinic Hyperoxaluria Center, Mayo Clinic and Mayo Clinic Laboratories, Mayo Clinic); PubMed 26764160 (cited by Rare Kidney Stone Consortium and the Mayo Clinic Hyperoxaluria Center, Mayo Clinic); PubMed 28812535 (cited by Rare Kidney Stone Consortium and the Mayo Clinic Hyperoxaluria Center, Mayo Clinic); PubMed 28646536 (cited by Rare Kidney Stone Consortium and the Mayo Clinic Hyperoxaluria Center, Mayo Clinic and Mayo Clinic Laboratories, Mayo Clinic); PubMed 30476936 (cited by Rare Kidney Stone Consortium and the Mayo Clinic Hyperoxaluria Center, Mayo Clinic); PubMed 40794449 (cited by Rare Kidney Stone Consortium and the Mayo Clinic Hyperoxaluria Center, Mayo Clinic); PubMed 23007880 (cited by Illumina Laboratory Services, Illumina).

NM_000341.4(SLC3A1):c.797T>C (p.Phe266Ser)

Gene: SLC3A1 (solute carrier family 3 member 1; plus strand). Cytogenetic location: 2p21.
Variant type: single nucleotide variant.
Coding change: c.797T>C on transcript NM_000341.4 (MANE Select); coding-DNA position 797, T replaced by C.
Protein change: p.Phe266Ser; replaces phenylalanine 266 with serine.
Molecular consequence: missense variant.
Genome position (GRCh38, 1-based): chr2:44,286,063, T>C. VCF-style: chr2-44286063-T-C. GRCh37 (hg19) VCF-style: chr2-44513202-T-C.
Other names: p.Phe266Ser; short protein forms F266S.
Identifiers: ClinVar variation 781945 (VCV000781945.27), dbSNP rs141587158, ClinGen allele CA1640276.